The following is an entry in ClinVar:

ClinVar aggregate classification (germline): Uncertain significance (1 of 4 stars; one submission).

Conditions:
Familial cold autoinflammatory syndrome 3 (FCAS3). Also called: FAMILIAL ATYPICAL COLD URTICARIA; ANTIBODY DEFICIENCY AND IMMUNE DYSREGULATION, PLCG2-ASSOCIATED. Identifiers: Orphanet 300359, MedGen C3280914, MONDO:0013766, OMIM 614468.

Allele frequency attached by ClinVar (database versions not stated): ExAC 0.00001; gnomAD 0.00001.
gnomAD v4.1: 4 of 1,613,920 alleles (0.00025%); highest among the groups gnomAD compares: Non-Finnish European, 0.00034%; no homozygotes.

Submission:

Labcorp Genetics (formerly Invitae), Labcorp
Classification: Uncertain significance for Familial cold autoinflammatory syndrome 3. Last evaluated: 2024-03-15. Review status: criteria provided, single submitter. Criteria: Invitae Variant Classification Sherloc (09022015). Collection method: clinical testing. Allele origin: germline.
Comment: This sequence change replaces arginine, which is basic and polar, with glycine, which is neutral and non-polar, at codon 376 of the PLCG2 protein (p.Arg376Gly). This variant is present in population databases (rs766133588, gnomAD 0.002%). This variant has not been reported in the literature in individuals affected with PLCG2-related conditions. ClinVar contains an entry for this variant (Variation ID: 1971790). An algorithm developed to predict the effect of missense changes on protein structure and function (PolyPhen-2) suggests that this variant is likely to be disruptive. In summary, the available evidence is currently insufficient to determine the role of this variant in disease. Therefore, it has been classified as a Variant of Uncertain Significance.

NM_002661.5(PLCG2):c.1126C>G (p.Arg376Gly)

Gene: PLCG2 (phospholipase C gamma 2; plus strand). Cytogenetic location: 16q23.3.
Variant type: single nucleotide variant.
Coding change: c.1126C>G on transcript NM_002661.5 (MANE Select); coding-DNA position 1126, C replaced by G.
Protein change: p.Arg376Gly; replaces arginine 376 with glycine.
Molecular consequence: missense variant.
Genome position (GRCh38, 1-based): chr16:81,895,860, C>G. VCF-style: chr16-81895860-C-G. GRCh37 (hg19) VCF-style: chr16-81929465-C-G.
Other names: short protein forms R376G.
Identifiers: ClinVar variation 1971790 (VCV001971790.5), dbSNP rs766133588, ClinGen allele CA8193611.
Genomic context (GRCh38, chr16:81,895,860, plus strand): 5'-CCTGTAGTGGACTGCTGGGACGGGCCCGATGGGAAGCCGGTCATCTACCATGGCTGGACG[C>G]GGACTACCAAGATCAAGTTTGACGACGTCGTGCAGGCCATCAAAGACCACGCCTTTGTTA-3'
Protein context (NP_002652.2, residues 366-386): GKPVIYHGWT[Arg376Gly]TTKIKFDDVV